The following is an entry in ClinVar:

ClinVar aggregate classification (germline): Conflicting classifications of pathogenicity. Review status: criteria provided, conflicting classifications (1 of 4 stars). 4 submissions from 4 submitters: Uncertain significance (1); Likely benign (3). Last evaluated 2025-07-12.

Allele frequency attached by ClinVar (database versions not stated): ExAC 0.00008; ESP Exome Variant Server 0.00008; gnomAD 0.00009; gnomAD exomes 0.00009; TOPMed 0.00011; 1000 Genomes Project 30x 0.00016; 1000 Genomes Project 0.00020.
gnomAD v4.1: 296 of 1,610,918 alleles (0.018%); highest among the groups gnomAD compares: Non-Finnish European, 0.024%; 1 homozygote.

Submissions (4):

Labcorp Genetics (formerly Invitae), Labcorp
Classification: Likely benign. Last evaluated: 2025-07-12. Review status: criteria provided, single submitter. Criteria: Invitae Variant Classification Sherloc (09022015). Collection method: clinical testing. Allele origin: germline.

Eurofins Ntd Llc (ga)
Classification: Uncertain significance. Last evaluated: 2015-02-11. Review status: criteria provided, single submitter. Criteria: EGL Classification Definitions 2015. Collection method: clinical testing. Allele origin: germline. Observed: 1 variant allele, 1 heterozygote.

Laboratory for Molecular Medicine, Mass General Brigham Personalized Medicine
Classification: Likely benign. Last evaluated: 2012-04-30. Review status: criteria provided, single submitter. Criteria: LMM Criteria. Collection method: clinical testing. Allele origin: germline. Observed: 1 variant allele.
Comment: Asp90Asp in Exon 03 of HGF: This variant is not expected to have clinical signif icance because it does not alter an amino acid residue, is not located within th e splice consensus sequence, and has been identified in 1/7018 European American chromosomes from a broad population by the NHLBI Exome Sequencing Project (dbSNP rs145598174).

PreventionGenetics, part of Exact Sciences
Classification: Likely benign. Review status: criteria provided, single submitter. Criteria: ACMG Guidelines, 2015. Collection method: clinical testing. Allele origin: germline.

NM_000601.6(HGF):c.270T>C (p.Asp90=)

Gene: HGF (hepatocyte growth factor; minus strand). Cytogenetic location: 7q21.11.
Variant type: single nucleotide variant.
Coding change: c.270T>C on transcript NM_000601.6 (MANE Select); coding-DNA position 270, T replaced by C.
Protein change: p.Asp90=; no amino-acid change (aspartic acid 90 retained).
Molecular consequence: synonymous variant.
Genome position (GRCh38, 1-based): chr7:81,758,789, A>G on the plus strand (T>C on the coding strand, the complement: HGF is on the minus strand). VCF-style: chr7-81758789-A-G. GRCh37 (hg19) VCF-style: chr7-81388105-A-G.
Other names: c.270T>C, p.Asp90= (NM_001010931.3, NM_001010932.3, NM_001010933.3 and 1 more transcripts).
Identifiers: ClinVar variation 196285 (VCV000196285.15), dbSNP rs145598174, ClinGen allele CA243187.